The following is an entry in ClinVar:

ClinVar aggregate classification (germline): Conflicting classifications of pathogenicity. Review status: criteria provided, conflicting classifications (1 of 4 stars). 2 submissions from 2 submitters: Uncertain significance (1); Likely benign (1). Last evaluated 2024-11-07.

Conditions:
Kleefstra syndrome 1 (KLEFS1). Identifiers: Orphanet 261494, MedGen C0795833, MONDO:0027407, OMIM 610253.

Allele frequency attached by ClinVar (database versions not stated): gnomAD exomes below 0.00001.
gnomAD v4.1: 5 of 1,614,140 alleles (0.00031%); highest among the groups gnomAD compares: Admixed American, 0.0017%; no homozygotes.

Submissions (2):

GeneDx
Classification: Uncertain significance. Last evaluated: 2024-11-07. Review status: criteria provided, single submitter. Criteria: GeneDx Variant Classification Process June 2021. Collection method: clinical testing. Allele origin: germline. Affected: yes.
Comment: Not observed at significant frequency in large population cohorts (gnomAD); In silico analysis supports that this missense variant has a deleterious effect on protein structure/function; Has not been previously published as pathogenic or benign to our knowledge

Labcorp Genetics (formerly Invitae), Labcorp
Classification: Likely benign for Kleefstra syndrome 1. Last evaluated: 2022-06-15. Review status: criteria provided, single submitter. Criteria: Invitae Variant Classification Sherloc (09022015). Collection method: clinical testing. Allele origin: germline.

NM_024757.5(EHMT1):c.776C>T (p.Ser259Leu)

Gene: EHMT1 (euchromatic histone lysine methyltransferase 1; plus strand). Cytogenetic location: 9q34.3.
Variant type: single nucleotide variant.
Coding change: c.776C>T on transcript NM_024757.5 (MANE Select); coding-DNA position 776, C replaced by T.
Protein change: p.Ser259Leu; replaces serine 259 with leucine.
Molecular consequence: missense variant.
Genome position (GRCh38, 1-based): chr9:137,728,482, C>T. VCF-style: chr9-137728482-C-T. GRCh37 (hg19) VCF-style: chr9-140622934-C-T.
Other names: c.776C>T, p.Ser259Leu (NM_001145527.2, NM_001354263.2, NM_001354611.2); c.683C>T, p.Ser228Leu (NM_001354259.2, NM_001354612.2); short protein forms S259L, S228L.
Identifiers: ClinVar variation 946797 (VCV000946797.11), dbSNP rs1469917649, ClinGen allele CA375772266.